The following is an entry in ClinVar:

NM_001130823.3(DNMT1):c.1459G>A (p.Gly487Arg)

Gene: DNMT1 (DNA methyltransferase 1; minus strand). Cytogenetic location: 19p13.2.
Variant type: single nucleotide variant.
Coding change: c.1459G>A on transcript NM_001130823.3 (MANE Select); coding-DNA position 1459, G replaced by A.
Protein change: p.Gly487Arg; replaces glycine 487 with arginine.
Molecular consequence: missense variant.
Genome position (GRCh38, 1-based): chr19:10,155,886, C>T on the plus strand (G>A on the coding strand, the complement: DNMT1 is on the minus strand). VCF-style: chr19-10155886-C-T. GRCh37 (hg19) VCF-style: chr19-10266562-C-T.
Other names: c.1411G>A, p.Gly471Arg (NM_001318730.2, NM_001379.4); c.1096G>A, p.Gly366Arg (NM_001318731.2); short protein forms G366R, G471R, G487R.
Identifiers: ClinVar variation 2869883 (VCV002869883.3), dbSNP rs2513826440, ClinGen allele CA403937336.
Genomic context (GRCh38, chr19:10,155,886, plus strand): 5'-CCAGCCTATGATGGGCCACACACTTACAGGTGCTGAAGCCGATGAGGGCCTTTTCACCTC[C>T]ATCAAAGCCAGTGATCCACCATTCATTTATGGGGCCAAGATTTTTGCCATTAACACCACC-3'
Protein context (NP_001124295.1, residues 477-497): INEWWITGFD[Gly487Arg]GEKALIGFST

ClinVar aggregate classification (germline): Uncertain significance (1 of 4 stars; one submission).

Conditions:
Hereditary sensory neuropathy-deafness-dementia syndrome. Also called: Hereditary sensory neuropathy type IE; Hereditary Sensory and Autonomic Neuropathy Type 1E (HSAN1E); NEUROPATHY, HEREDITARY SENSORY, WITH HEARING LOSS AND DEMENTIA; HSN IE. Identifiers: Orphanet 456318, MedGen C3279885, MONDO:0013584, OMIM 614116.

Submission:

Labcorp Genetics (formerly Invitae), Labcorp
Classification: Uncertain significance for Hereditary sensory neuropathy-deafness-dementia syndrome. Last evaluated: 2023-07-08. Review status: criteria provided, single submitter. Criteria: Invitae Variant Classification Sherloc (09022015). Collection method: clinical testing. Allele origin: germline.
Comment: In summary, the available evidence is currently insufficient to determine the role of this variant in disease. Therefore, it has been classified as a Variant of Uncertain Significance. Advanced modeling of protein sequence and biophysical properties (such as structural, functional, and spatial information, amino acid conservation, physicochemical variation, residue mobility, and thermodynamic stability) performed at Invitae indicates that this missense variant is not expected to disrupt DNMT1 protein function. This variant has not been reported in the literature in individuals affected with DNMT1-related conditions. This variant is not present in population databases (gnomAD no frequency). This sequence change replaces glycine, which is neutral and non-polar, with arginine, which is basic and polar, at codon 487 of the DNMT1 protein (p.Gly487Arg).